The following is an entry in ClinVar:

NM_000051.4(ATM):c.5824G>T (p.Ala1942Ser)

Genes: ATM (ATM serine/threonine kinase; plus strand), C11orf65 (chromosome 11 open reading frame 65; minus strand). Cytogenetic location: 11q22.3.
Variant type: single nucleotide variant.
Coding change: c.5824G>T on transcript NM_000051.4 (MANE Select); coding-DNA position 5824, G replaced by T.
Protein change: p.Ala1942Ser; replaces alanine 1942 with serine.
Molecular consequence: missense variant. On other transcripts: intron variant (2).
Genome position (GRCh38, 1-based): chr11:108,310,221, G>T. VCF-style: chr11-108310221-G-T. GRCh37 (hg19) VCF-style: chr11-108180948-G-T.
Other names: c.5824G>T, p.Ala1942Ser (NM_001351834.2); c.641-1150C>A (NM_001330368.2); c.*39-1150C>A (NM_001351110.2); short protein forms A1942S.
Identifiers: ClinVar variation 453599 (VCV000453599.19), dbSNP rs1286443989, ClinGen allele CA382548406.

ClinVar aggregate classification (germline): Uncertain significance. Review status: criteria provided, multiple submitters, no conflicts (2 of 4 stars). 6 submissions from 6 submitters: Uncertain significance (5). 1 of the submissions does not count toward it. Last evaluated 2025-07-31.

Conditions:
ATM-related disorder. Also called: ATM-related disorders; ATM-related condition.
Hereditary cancer-predisposing syndrome. Also called: Neoplastic Syndromes, Hereditary; Hereditary Cancer Syndrome; Tumor predisposition; Hereditary neoplastic syndrome. Identifiers: Orphanet 140162, MedGen C0027672, MeSH D009386, MONDO:0015356.
Ataxia-telangiectasia syndrome (AT). Also called: LOUIS-BAR SYNDROME; Cerebello-oculocutaneous telangiectasia; Immunodeficiency with ataxia telangiectasia; Ataxia-telangiectasia, complementation group D; AT, COMPLEMENTATION GROUP C; Ataxia-telangiectasia, complementation group E. Identifiers: Orphanet 100, MedGen C0004135, MONDO:0008840, OMIM 208900.
Familial cancer of breast. Also called: Hereditary breast cancer; BREAST CANCER, FAMILIAL; hereditary breast carcinoma. Identifiers: Orphanet 227535, MedGen C0346153, MONDO:0016419, OMIM 114480. Disease mechanism: loss of function.

Allele frequency attached by ClinVar (database versions not stated): gnomAD exomes 0.00001 and below 0.00001; gnomAD 0.00001; TOPMed below 0.00001.
gnomAD v4.1: 3 of 1,613,466 alleles (0.00019%); highest among the groups gnomAD compares: Admixed American, 0.005%; no homozygotes.

Submissions (6):

Labcorp Genetics (formerly Invitae), Labcorp
Classification: Uncertain significance for Ataxia-telangiectasia syndrome. Last evaluated: 2025-07-31. Review status: criteria provided, single submitter. Criteria: Invitae Variant Classification Sherloc (09022015). Collection method: clinical testing. Allele origin: germline.
Comment: This sequence change replaces alanine, which is neutral and non-polar, with serine, which is neutral and polar, at codon 1942 of the ATM protein (p.Ala1942Ser). This variant is present in population databases (no rsID available, gnomAD 0.006%). This variant has not been reported in the literature in individuals affected with ATM-related conditions. ClinVar contains an entry for this variant (Variation ID: 453599). Invitae Evidence Modeling of protein sequence and biophysical properties (such as structural, functional, and spatial information, amino acid conservation, physicochemical variation, residue mobility, and thermodynamic stability) has been performed for this missense variant. However, the output from this modeling did not meet the statistical confidence thresholds required to predict the impact of this variant on ATM protein function. This variant disrupts the p.Ala1942 amino acid residue in ATM. Other variant(s) that disrupt this residue have been determined to be pathogenic (PMID: 22649200, 24090759). This suggests that this residue is clinically significant, and that variants that disrupt this residue are likely to be disease-causing. In summary, the available evidence is currently insufficient to determine the role of this variant in disease. Therefore, it has been classified as a Variant of Uncertain Significance.

PreventionGenetics, part of Exact Sciences
Classification: Uncertain significance for ATM-related condition. Last evaluated: 2025-07-03. Review status: criteria provided, single submitter. Criteria: ACMG Guidelines, 2015. Collection method: clinical testing. Allele origin: germline.
Comment: The ATM c.5824G>T variant is predicted to result in the amino acid substitution p.Ala1942Ser. Another variant affecting the same amino acid (c.5825 C>T, p.Ala1942Val) has been reported in multiple individuals with ataxia-telangiectasia (Carney et al. 2012. PubMed ID: 22649200; Davis et al. 2013. PubMed ID: 24090759). This variant is reported in 0.0058% of alleles in individuals of Latino descent in gnomAD. This variant has an interpretations of uncertain significance in ClinVar. At this time, the clinical significance of this variant is uncertain due to the absence of conclusive functional and genetic evidence.

Ambry Genetics
Classification: Uncertain significance for Hereditary cancer-predisposing syndrome. Last evaluated: 2025-05-22. Review status: criteria provided, single submitter. Criteria: Ambry Variant Classification Scheme 2023. Collection method: clinical testing. Allele origin: germline.
Comment: The p.A1942S variant (also known as c.5824G>T), located in coding exon 38 of the ATM gene, results from a G to T substitution at nucleotide position 5824. The alanine at codon 1942 is replaced by serine, an amino acid with similar properties. Another variant at the same codon, p.A1942V (c.5825C>T), has been described in multiple probands with ataxia-telangiectasia (A-T) (Carney EF et al. J Immunol. 2012 Jul;189:261-8; Davis MY et al. J. Neurol. Sci. 2013 Dec;335:134-8), and demonstrated loss of kinase activity in functional assays (Carney EF et al. J Immunol. 2012 Jul;189:261-8). This amino acid position is highly conserved in available vertebrate species. In addition, the in silico prediction for this alteration is inconclusive. Based on the available evidence, the clinical significance of this alteration remains unclear.

Quest Diagnostics Nichols Institute San Juan Capistrano
Classification: Uncertain significance. Last evaluated: 2024-11-20. Review status: criteria provided, single submitter. Criteria: Quest Diagnostics criteria. Collection method: clinical testing. Allele origin: unknown.
Comment: The ATM c.5824G>T (p.Ala1942Ser) variant, to the best of our knowledge, has not been reported in the published literature. A different variant at the same codon, c.5825C>T (p.Ala1942Val), has been described as being deleterious in individuals with ataxia-telangiectasia (PMIDs: 34602955 (2021), 24090759 (2013), 22649200 (2012)), suggesting this amino acid may be clinically important. The frequency of the c.5824G>T (p.Ala1942Ser) variant in the general population, 0.000008 (2/251052 chromosomes (Genome Aggregation Database)), is uninformative in the assessment of its pathogenicity. Analysis of this variant using bioinformatics tools for the prediction of the effect of amino acid changes on protein structure and function yielded predictions that this variant is damaging. Based on the available information, we are unable to determine the clinical significance of this variant.

Baylor Genetics
Classification: Uncertain significance for Familial cancer of breast. Last evaluated: 2023-12-05. Review status: criteria provided, single submitter. Criteria: ACMG Guidelines, 2015. Collection method: clinical testing. Allele origin: unknown.

Natera, Inc.
Classification: Uncertain significance for Ataxia-telangiectasia. Last evaluated: 2020-09-16. Review status: no assertion criteria provided. Collection method: clinical testing. Allele origin: germline. Not counted in ClinVar's aggregate classification.

Literature cited by the submitters: PubMed 22649200 (cited by Labcorp Genetics (formerly Invitae), Labcorp); PubMed 24090759 (cited by Labcorp Genetics (formerly Invitae), Labcorp).